The following is an entry in ClinVar:

ClinVar aggregate classification (germline): Uncertain significance (1 of 4 stars; one submission).

Conditions:
KIRREL3-related disorder. Also called: KIRREL3-related condition.

Allele frequency attached by ClinVar (database versions not stated): TOPMed 0.00002.
gnomAD v4.1: 1 of 1,587,224 alleles (0.000063%); highest among the groups gnomAD compares: Admixed American, 0.0018%; no homozygotes.

Submission:

PreventionGenetics, part of Exact Sciences
Classification: Uncertain significance for KIRREL3-related condition. Last evaluated: 2022-11-14. Review status: criteria provided, single submitter. Criteria: ACMG Guidelines, 2015. Collection method: clinical testing. Allele origin: germline.
Comment: The KIRREL3 c.1807-8G>A variant is predicted to interfere with splicing. However, this variant is predicted to weaken the canonical splice acceptor site (Alamut Visual Plus v1.6.1). To our knowledge, this variant has not been reported in the literature or in a large population database, indicating this variant is rare. At this time, the clinical significance of this variant is uncertain due to the absence of conclusive functional and genetic evidence.

NM_032531.4(KIRREL3):c.1807-8G>A

Gene: KIRREL3 (kirre like nephrin family adhesion molecule 3; minus strand). Cytogenetic location: 11q24.2.
Variant type: single nucleotide variant.
Coding change: c.1807-8G>A on transcript NM_032531.4 (MANE Select); 8 bases into the intron before coding-DNA position 1807, G replaced by A.
Molecular consequence: intron variant.
Genome position (GRCh38, 1-based): chr11:126,425,732, C>T on the plus strand (G>A on the coding strand, the complement: KIRREL3 is on the minus strand). VCF-style: chr11-126425732-C-T. GRCh37 (hg19) VCF-style: chr11-126295627-C-T.
Other names: c.1807-8G>A (NM_001441257.1, NM_001441258.1); c.1621-8G>A (NM_001441262.1); c.1663-8G>A (NM_001441261.1); c.1771-8G>A (NM_001301097.2); c.1846-8G>A (NM_001441251.1, NM_001441254.1); c.1882-8G>A (NM_001441253.1); c.1810-8G>A (NM_001441256.1); c.1915-8G>A (NM_001441252.1); and 3 more.
Identifiers: ClinVar variation 2635172 (VCV002635172.1), dbSNP rs1347833569, ClinGen allele CA602365011.
Genomic context (GRCh38, chr11:126,425,732, plus strand): 5'-AGGACCTCCAGCTGTTTCAGGACTGAGTCTTGCTGGAATTCACCCCGGTCCATCTGCAAC[C>T]CAAAAAAGGCTGCTCAGTAGATAGGAGGTGGCTAAACCTCCACTTCCCCCAAGGAAAAGA-3'